The following is an entry in ClinVar:

NM_000143.4(FH):c.1097G>A (p.Ser366Asn)

Gene: FH (fumarate hydratase; minus strand). Cytogenetic location: 1q43.
Variant type: single nucleotide variant.
Coding change: c.1097G>A on transcript NM_000143.4 (MANE Select); coding-DNA position 1097, G replaced by A.
Protein change: p.Ser366Asn; replaces serine 366 with asparagine.
Molecular consequence: missense variant.
Genome position (GRCh38, 1-based): chr1:241,504,053, C>T on the plus strand (G>A on the coding strand, the complement: FH is on the minus strand). VCF-style: chr1-241504053-C-T. GRCh37 (hg19) VCF-style: chr1-241667353-C-T.
Other names: p.S366N:AGT>AAT; p.Ser366Asn; short protein forms S366N.
Identifiers: ClinVar variation 214419 (VCV000214419.25), dbSNP rs863224004, ClinGen allele CA325181.
Genomic context (GRCh38, chr1:241,504,053, plus strand): 5'-TAGGACCTAGTCAAGTTTTAGCTCCAACATTTACTAGCTATGTGATTACCTGGCATGATA[C>T]TGCTTCCTGGTTCATTTTCAGGCAAGATCAATTCTCCCAGACCTGACCGAGGACCAGAAC-3'
Protein context (NP_000134.2, residues 356-376): LILPENEPGS[Ser366Asn]IMPGKVNPTQ

ClinVar aggregate classification (germline): Pathogenic/Likely pathogenic. Review status: criteria provided, multiple submitters, no conflicts (2 of 4 stars). 8 submissions from 8 submitters: Pathogenic (4); Likely pathogenic (4). Last evaluated 2025-10-27.

Conditions:
Hereditary cancer-predisposing syndrome. Also called: Tumor predisposition; Hereditary Cancer Syndrome; Hereditary neoplastic syndrome; Neoplastic Syndromes, Hereditary. Identifiers: Orphanet 140162, MedGen C0027672, MeSH D009386, MONDO:0015356.
Fumarase deficiency (FMRD). Also called: Fumaric aciduria; Fumarate Hydratase Deficiency. Identifiers: Orphanet 24, MedGen C0342770, MONDO:0011730, OMIM 606812.
Hereditary leiomyomatosis and renal cell cancer. Also called: LEIOMYOMA, MULTIPLE CUTANEOUS; Reed syndrome; Multiple cutaneous and uterine leiomyomatosis; Cutaneous leiomyomata with uterine leiomyomata; Leiomyoma, hereditary multiple, of skin; Multiple cutaneous and uterine leiomyomata. Identifiers: Orphanet 523, MedGen C1708350, MONDO:0007888, OMIM 150800, HP:0007437. Disease mechanism: loss of function.

Allele frequency attached by ClinVar (database versions not stated): gnomAD exomes below 0.00001.

Submissions (8):

Labcorp Genetics (formerly Invitae), Labcorp
Classification: Pathogenic. Last evaluated: 2025-10-27. Review status: criteria provided, single submitter. Criteria: Invitae Variant Classification Sherloc (09022015). Collection method: clinical testing. Allele origin: germline.
Comment: This sequence change replaces serine, which is neutral and polar, with asparagine, which is neutral and polar, at codon 366 of the FH protein (p.Ser366Asn). This variant is not present in population databases (gnomAD no frequency). This missense change has been observed in individuals with multiple cutaneous and uterine leiomyomatosis (MCUL) or hereditary leiomyomatosis and renal cell cancer (HLRCC) (PMID: 12761039, 12772087, 16237213; internal data). This variant is also known as G968A or S323N. ClinVar contains an entry for this variant (Variation ID: 214419). Invitae Evidence Modeling of protein sequence and biophysical properties (such as structural, functional, and spatial information, amino acid conservation, physicochemical variation, residue mobility, and thermodynamic stability) indicates that this missense variant is expected to disrupt FH protein function with a positive predictive value of 95%. For these reasons, this variant has been classified as Pathogenic.

GeneDx
Classification: Pathogenic. Last evaluated: 2024-02-20. Review status: criteria provided, single submitter. Criteria: GeneDx Variant Classification Process June 2021. Collection method: clinical testing. Allele origin: germline. Affected: yes.
Comment: Not observed at significant frequency in large population cohorts (gnomAD); In silico analysis supports that this missense variant has a deleterious effect on protein structure/function; Also known as FH c.968G>A, p.Ser323Asn; This variant is associated with the following publications: (PMID: 15937070, 12761039, 31299266, 18366737, 21630274, 12772087, 16597677, 16029320, 16237213, 30761759, 22561013, 35022142, 31831373, 21445611)

Baylor Genetics
Classification: Likely pathogenic for Fumarase deficiency. Last evaluated: 2023-12-22. Review status: criteria provided, single submitter. Criteria: ACMG Guidelines, 2015. Collection method: clinical testing. Allele origin: unknown.

Mayo Clinic Laboratories, Mayo Clinic
Classification: Likely pathogenic. Last evaluated: 2023-12-20. Review status: criteria provided, single submitter. Criteria: ACMG Guidelines, 2015. Collection method: clinical testing. Allele origin: germline. Observed: 1 variant allele.
Comment: PP3, PP4, PP5, PM1, PM2_moderate

Quest Diagnostics Nichols Institute San Juan Capistrano
Classification: Pathogenic. Last evaluated: 2023-07-26. Review status: criteria provided, single submitter. Criteria: Quest Diagnostics criteria. Collection method: clinical testing. Allele origin: unknown.
Comment: The FH c.1097G>A (p.Ser366Asn) variant has been reported in the published literature in individuals with phenotypes associated with hereditary leiomyomatosis and renal cell cancer (HLRCC)(PMID: 12772087 (2003), 16237213 (2005), 21630274 (2011), 31299266 (2019)). Immunohistochemical analysis of tumors from patients with this variant showed loss of heterozygosity and were positive for (2-succinyl) cysteine (2SC) (termed protein succination) due to deficient fumarase (PMID: 21630274 (2011)). Additionally, this variant is predicted to alter the active site of the FH protein (PMID: 21445611 (2011), 12761039 (2003)). This variant has not been reported in large, multi-ethnic general populations (Genome Aggregation Database). Analysis of this variant using bioinformatics tools for the prediction of the effect of amino acid changes on protein structure and function yielded predictions that this variant is damaging. Based on the available information, this variant is classified as pathogenic.

Ambry Genetics
Classification: Pathogenic for Hereditary cancer-predisposing syndrome. Last evaluated: 2023-05-23. Review status: criteria provided, single submitter. Criteria: Ambry Variant Classification Scheme 2023. Collection method: clinical testing. Allele origin: germline.
Comment: The p.S366N pathogenic mutation (also known as c.1097G>A), located in coding exon 7 of the FH gene, results from a G to A substitution at nucleotide position 1097. The serine at codon 366 is replaced by asparagine, an amino acid with highly similar properties. This alteration has been reported in numerous individuals with multiple cutaneous and uterine leiyomyomatosis (Alam NA et al. J Mol Diagn. 2005 Oct;7:437-43; Toro JR et al. Am. J. Hum. Genet. 2003 Jul;73:95-106; Bardella C et al. J. Pathol. 2011 Sep;225(1):4-11; Gupta S et al. Hum Pathol, 2019 Sep;91:114-122; Ambry internal data). Immunohistochemical analysis of tumors in patients with the germline p.S366N mutation have shown that this alteration results in an accumulation of succinated proteins as a result of deficient fumarase; these patients' tumors also demonstrated loss of heterozygosity (Bardella C et al. J. Pathol. 2011 Sep;225(1):4-11). In addition, the p.S366N variant has been predicted to alter the enzymatic active site of the FH protein (Picaud S et al. J. Inherit. Metab. Dis. 2011 Jun;34:671-6; Alam NA et al. Hum. Mol. Genet. 2003 Jun;12:1241-52). Based on internal structural analysis, this variant is anticipated to disrupt a region of known function (Ajalla Aleixo MA et al. FEBS J. 2019 May;286:1925-1940; Mechaly AE et al. FEBS Lett. 2012 Jun;586:1606-11). This amino acid position is highly conserved in available vertebrate species. In addition, this alteration is predicted to be deleterious by in silico analysis. This variant is considered to be rare based on population cohorts in the Genome Aggregation Database (gnomAD). Of note, this alteration is also designated as S323N (c.968G>A) in some published literature. Based on the supporting evidence, this alteration is interpreted as a disease-causing mutation.

Myriad Genetics, Inc.
Classification: Likely pathogenic for Hereditary leiomyomatosis and renal cell cancer. Last evaluated: 2023-01-17. Review status: criteria provided, single submitter. Criteria: Myriad Autosomal Dominant, Autosomal Recessive and X-Linked Classification Criteria (2023). Collection method: clinical testing. Allele origin: unknown.
Comment: This variant is considered likely pathogenic. This variant has been reported in multiple individuals with clinical features of gene-specific disease [PMID: 12761039, 31299266, 31831373, 21630274, 12772087].

St. Jude Molecular Pathology, St. Jude Children's Research Hospital
Classification: Likely pathogenic for Hereditary leiomyomatosis and renal cell cancer. Last evaluated: 2022-10-03. Review status: criteria provided, single submitter. Criteria: St. Jude Assertion Criteria 2020. Collection method: clinical testing. Allele origin: germline.
Comment: The FH c.1097G>A (p.Ser366Asn) missense change is absent in gnomAD v2.1.1. This variant has been identified in multiple individuals with leiomyomas and/or renal cell carcinoma (PMID: 12761039, 12772087, 21630274). The tumors of at least three of these individuals also demonstrated loss of heterozygosity (PMID: 12761039, 21630274). In addition, immunohistochemical analysis of tumors from patients with this germline variant have shown an accumulation of succinated proteins as a result of fumarase deficiency (PMID: 21630274). The in silico tool REVEL predicts a deleterious effect on protein function, but to our knowledge this prediction has not been confirmed by functional studies. This variant is also known as p.Ser323Asn in the literature. In summary, this variant meets criteria to be classified as likely pathogenic.

Literature cited by the submitters: PubMed 12761039 (cited by 5 submitters); PubMed 12772087 (cited by 5 submitters); PubMed 16237213 (cited by 4 submitters); PubMed 21630274 (cited by 3 submitters); PubMed 31299266 (cited by 4 submitters); PubMed 31831373 (cited by 3 submitters); PubMed 21445611 (cited by Quest Diagnostics Nichols Institute San Juan Capistrano); PubMed 22561013 (cited by Ambry Genetics); PubMed 30761759 (cited by Ambry Genetics).